The following is an entry in ClinVar:

NM_021629.4(GNB4):c.265A>C (p.Lys89Gln)

Gene: GNB4 (G protein subunit beta 4; minus strand). Cytogenetic location: 3q26.33.
Variant type: single nucleotide variant.
Coding change: c.265A>C on transcript NM_021629.4 (MANE Select); coding-DNA position 265, A replaced by C.
Protein change: p.Lys89Gln; replaces lysine 89 with glutamine.
Molecular consequence: missense variant.
Genome position (GRCh38, 1-based): chr3:179,416,495, T>G on the plus strand (A>C on the coding strand, the complement: GNB4 is on the minus strand). VCF-style: chr3-179416495-T-G. GRCh37 (hg19) VCF-style: chr3-179134283-T-G.
Other names: short protein forms K89Q.
Identifiers: ClinVar variation 1001722 (VCV001001722.8), dbSNP rs387907341, ClinGen allele CA355470292.

ClinVar aggregate classification (germline): Uncertain significance (1 of 4 stars; one submission).

Conditions:
Charcot-Marie-Tooth disease dominant intermediate F. Identifiers: Orphanet 352670, MedGen C4749463, MONDO:0014074, OMIM 615185.

Submission:

Labcorp Genetics (formerly Invitae), Labcorp
Classification: Uncertain significance for Charcot-Marie-Tooth disease dominant intermediate F. Last evaluated: 2020-09-17. Review status: criteria provided, single submitter. Criteria: Invitae Variant Classification Sherloc (09022015). Collection method: clinical testing. Allele origin: germline.
Comment: This variant is not present in population databases (ExAC no frequency). This sequence change replaces lysine with glutamine at codon 89 of the GNB4 protein (p.Lys89Gln). The lysine residue is highly conserved and there is a small physicochemical difference between lysine and glutamine. This variant has not been reported in the literature in individuals with GNB4-related conditions. In summary, the available evidence is currently insufficient to determine the role of this variant in disease. Therefore, it has been classified as a Variant of Uncertain Significance. This variant disrupts the p.Lys89 amino acid residue in GNB4. Other variant(s) that disrupt this residue have been determined to be pathogenic (PMID: 23434117, 31211173). This suggests that this residue is clinically significant, and that variants that disrupt this residue are likely to be disease-causing. Algorithms developed to predict the effect of missense changes on protein structure and function are either unavailable or do not agree on the potential impact of this missense change (SIFT: "Deleterious"; PolyPhen-2: "Benign"; Align-GVGD: "Class C0").

Literature cited by the submitters: PubMed 23434117; PubMed 31211173.